The following is an entry in ClinVar:

ClinVar aggregate classification (germline): Pathogenic. Review status: criteria provided, multiple submitters, no conflicts (2 of 4 stars). 15 submissions from 14 submitters: Pathogenic (10). 5 of the submissions do not count toward it. Last evaluated 2026-08-06.

Conditions:
MFRP-related disorder. Also called: MFRP-related condition; MFRP-related disorders.
Retinal dystrophy. Also called: Inherited retinal dystrophy. Identifiers: Orphanet 71862, MedGen C0854723, MeSH D058499, MONDO:0019118, HP:0000556.
Nanophthalmos 2 (NNO2). Also called: NANOPHTHALMIA 2; NANOPHTHALMOS, AUTOSOMAL RECESSIVE. Identifiers: Orphanet 35612, MedGen C1836006, MONDO:0012299, OMIM 609549.
Isolated microphthalmia 5. Also called: Posterior Microphthalmia with Retinitis Pigmentosa, Foveoschisis, and Optic Disc Drusen. Identifiers: Orphanet 251279, MedGen C1970236, MONDO:0012605, OMIM 611040.

Submissions (15):

OLLIN Analises Genomicas, OLLIN
Classification: Pathogenic for Nanophthalmos 2. Last evaluated: 2026-08-06. Review status: criteria provided, single submitter. Criteria: ACMG Guidelines 2015 PMID 25741868. Collection method: clinical testing. Allele origin: germline.
Comment: This frameshift variant, located in exon 5 (of 15), has been reported in ClinVar (accession VCV000004478.17), in gnomAD with an allele frequency of 0.0075%, and in the scientific literature, segregating with the phenotype and in compound heterozygosity, in individuals with MFRP related disorders (PMID: 19753314, 23112574, 23143909). This variant causes a frameshift and introduces a premature stop codon, which is predicted to result in either a truncated protein or degradation of the mRNA via nonsense-mediated decay (NMD). According to the currently available evidence, this variant has been classified as pathogenic (PVS1, PM2_P, PM3_VS, PP1).

Dasa
Classification: Pathogenic. Last evaluated: 2026-01-13. Review status: criteria provided, single submitter. Criteria: DASA Assertion Criteria. Collection method: clinical testing. Allele origin: germline.
Comment: NM_031433.4(MFRP):c.498del (p.Asn167Thrfs*25) introduces a premature termination codon predicted to result in loss of normal protein function. Loss-of-function is an established mechanism of disease for this gene. The variant is present at low frequency in population datasets. Based on the available data, this variant is classified as pathogenic.

Labcorp Genetics (formerly Invitae), Labcorp
Classification: Pathogenic for Isolated microphthalmia 5. Last evaluated: 2025-12-08. Review status: criteria provided, single submitter. Criteria: Invitae Variant Classification Sherloc (09022015). Collection method: clinical testing. Allele origin: germline.
Comment: This sequence change creates a premature translational stop signal (p.Asn167Thrfs*25) in the MFRP gene. It is expected to result in an absent or disrupted protein product. Loss-of-function variants in MFRP are known to be pathogenic (PMID: 12140190, 15976030, 20361016). This variant is present in population databases (rs587776596, gnomAD 0.04%). This premature translational stop signal has been observed in individuals with posterior microphthalmos/nanophthalmos and retinal dystrophy in a family, and has been observed in several affected individuals (PMID: 19753314, 23112574, 23143909). It has also been observed to segregate with disease in related individuals. This variant is also known as c.492delC, p.P166fs*26, and p.P166fs*190. ClinVar contains an entry for this variant (Variation ID: 4476). Algorithms developed to predict the effect of sequence changes on RNA splicing suggest that this variant may disrupt the consensus splice site. For these reasons, this variant has been classified as Pathogenic.

First Genomix Gene Laboratory, Genetic Diagnostics Department
Classification: Pathogenic for Isolated microphthalmia 5; Nanophthalmos 2. Last evaluated: 2025-06-26. Review status: criteria provided, single submitter. Criteria: ACMG Guidelines, 2015. Collection method: clinical testing. Allele origin: germline. Inheritance: Autosomal recessive inheritance. Affected: no. Observed: 1 variant allele.

3billion
Classification: Pathogenic for Isolated microphthalmia 5. Last evaluated: 2025-03-04. Review status: criteria provided, single submitter. Criteria: ACMG Guidelines, 2015. Collection method: clinical testing. Allele origin: germline. Affected: yes.
Comment: The variant is observed at an extremely low frequency in the gnomAD v4.1.0 dataset (total allele frequency: 0.007%). Predicted Consequence/Location: Frameshift: predicted to result in a loss or disruption of normal protein function through nonsense-mediated decay (NMD) or protein truncation. Multiple pathogenic variants are reported downstream of the variant. The variant has been reported at least twice as pathogenic without evidence for the classification (ClinVar ID: VCV000004476 /PMID: 15976030 /3billion dataset). Therefore, this variant is classified as Pathogenic according to the recommendation of ACMG/AMP guideline.

Blueprint Genetics
Classification: Pathogenic for MFRP-related disorders. Last evaluated: 2024-09-03. Review status: criteria provided, single submitter. Criteria: ACMG Guidelines, 2015. Collection method: clinical testing. Allele origin: germline. Affected: yes. Observed: 5 variant alleles.

Department of Pathology and Laboratory Medicine, Sinai Health System
Classification: Pathogenic for Nanophthalmos 2; Isolated microphthalmia 5. Last evaluated: 2023-07-12. Review status: criteria provided, single submitter. Criteria: ACMG Guidelines, 2015. Collection method: research. Allele origin: germline.

Mendelics
Classification: Pathogenic for Nanophthalmos 2. Last evaluated: 2022-05-04. Review status: criteria provided, single submitter. Criteria: Mendelics Assertion Criteria 2019. Collection method: clinical testing. Allele origin: germline.

Institute of Human Genetics, Univ. Regensburg, Univ. Regensburg
Classification: Pathogenic for Retinal dystrophy. Last evaluated: 2021-01-01. Review status: criteria provided, single submitter. Criteria: ACMG Guidelines, 2015. Collection method: clinical testing. Allele origin: germline. Affected: yes.

Clinical Genetics Service, Universitary Hospital 12 de Octubre
Classification: Pathogenic for Nanophthalmos 2. Review status: criteria provided, single submitter. Criteria: ACMG Guidelines, 2015. Collection method: clinical testing. Allele origin: germline. Affected: yes.

PreventionGenetics, part of Exact Sciences
Classification: Pathogenic for MFRP-related condition. Last evaluated: 2024-07-22. Review status: no assertion criteria provided. Collection method: clinical testing. Allele origin: germline. Not counted in ClinVar's aggregate classification.
Comment: The MFRP c.498delC variant is predicted to result in a frameshift and premature protein termination (p.Pro166Profs*26). This variant has been reported in the homozygous and compound heterozygous states in individuals with nanophthalmos or retinal dystrophy (reported as 492delC in Sundin et al. 2005. PubMed ID: 15976030; Kannabiran et al. 2012. PubMed ID: 22605927; Guo et al. 2019. PubMed ID: 31266062; Prasov et al. 2020. PubMed ID: 33203948). This variant is reported in 0.042% of alleles in individuals of Latino descent in gnomAD. Frameshift variants in MFRP are expected to be pathogenic, and this variant has been classified as pathogenic by multiple independent submitters to the ClinVar database. Given the evidence, we interpret this variant as pathogenic.

OMIM
Classification: Pathogenic for NANOPHTHALMOS 2. Last evaluated: 2012-01-01. Review status: no assertion criteria provided. Collection method: literature only. Allele origin: germline. Not counted in ClinVar's aggregate classification.

OMIM
Classification: Pathogenic for MICROPHTHALMIA, ISOLATED 5. Last evaluated: 2012-01-01. Review status: no assertion criteria provided. Collection method: literature only. Allele origin: germline. Not counted in ClinVar's aggregate classification.

Genome Diagnostics Laboratory, Amsterdam University Medical Center
Classification: Pathogenic. Review status: no assertion criteria provided. Collection method: clinical testing. Allele origin: germline. Affected: yes. Study: VKGL Data-share Consensus. Not counted in ClinVar's aggregate classification.

Joint Genome Diagnostic Labs from Nijmegen and Maastricht, Radboudumc and MUMC+
Classification: Pathogenic. Review status: no assertion criteria provided. Collection method: clinical testing. Allele origin: germline. Affected: yes. Study: VKGL Data-share Consensus. Not counted in ClinVar's aggregate classification.

Literature cited by the submitters: PubMed 19753314 (cited by 3 submitters); PubMed 23112574 (cited by 3 submitters); PubMed 23143909 (cited by 3 submitters); PubMed 12140190 (cited by Labcorp Genetics (formerly Invitae), Labcorp); PubMed 15976030 (cited by 4 submitters); PubMed 20361016 (cited by Labcorp Genetics (formerly Invitae), Labcorp and OMIM); PubMed 22605927 (cited by Institute of Human Genetics, Univ. Regensburg, Univ. Regensburg and OMIM); PubMed 25383852 (cited by Institute of Human Genetics, Univ. Regensburg, Univ. Regensburg); PubMed 31589614 (cited by Institute of Human Genetics, Univ. Regensburg, Univ. Regensburg); PubMed 31266062 (cited by Institute of Human Genetics, Univ. Regensburg, Univ. Regensburg); PubMed 31264930 (cited by Institute of Human Genetics, Univ. Regensburg, Univ. Regensburg); PubMed 31992737 (cited by Institute of Human Genetics, Univ. Regensburg, Univ. Regensburg); PubMed 32118495 (cited by Institute of Human Genetics, Univ. Regensburg, Univ. Regensburg); PubMed 31964843 (cited by Institute of Human Genetics, Univ. Regensburg, Univ. Regensburg); PubMed 33203948 (cited by Institute of Human Genetics, Univ. Regensburg, Univ. Regensburg); PubMed 33726816 (cited by Institute of Human Genetics, Univ. Regensburg, Univ. Regensburg); PubMed 18554571 (cited by OMIM); PubMed 17167404 (cited by OMIM).

NM_031433.4(MFRP):c.498del (p.Asn167fs)

Genes: C1QTNF5 (C1q and TNF related 5; minus strand), MFRP (membrane frizzled-related protein; minus strand). Cytogenetic location: 11q23.3.
Variant type: Deletion.
Coding change: c.498del on transcript NM_031433.4 (MANE Select); coding-DNA position 498, one base deleted (C; older notation c.498delC).
Protein change: p.Asn167fs; shifts the reading frame from asparagine 167.
Molecular consequence: frameshift variant. On other transcripts: 5 prime UTR variant (1).
Genome position (GRCh38, 1-based): chr11:119,345,563, G deleted on the plus strand (C on the coding strand, the reverse complement: MFRP is on the minus strand); the first of 7 consecutive G bases (chr11:119,345,563-119,345,569); deleting any one gives the same sequence. VCF-style (leftmost placement, unchanged base first): chr11-119345562-TG-T. GRCh37 (hg19) VCF-style: chr11-119216272-TG-T.
Other names: c.498delC (NM_031433.3, NM_031433.4); c.-2139del (NM_015645.5); short protein forms N167fs.
Identifiers: ClinVar variation 4476 (VCV000004476.26), dbSNP rs587776596, ClinGen allele CA017228.